The following is an entry in ClinVar:

NM_000092.5(COL4A4):c.904G>T (p.Gly302Cys)

Gene: COL4A4 (collagen type IV alpha 4 chain; minus strand). Cytogenetic location: 2q36.3.
Variant type: single nucleotide variant.
Coding change: c.904G>T on transcript NM_000092.5 (MANE Select); coding-DNA position 904, G replaced by T.
Protein change: p.Gly302Cys; replaces glycine 302 with cysteine.
Molecular consequence: missense variant.
Genome position (GRCh38, 1-based): chr2:227,102,815, C>A on the plus strand (G>T on the coding strand, the complement: COL4A4 is on the minus strand). VCF-style: chr2-227102815-C-A. GRCh37 (hg19) VCF-style: chr2-227967531-C-A.
Other names: short protein forms G302C.
Identifiers: ClinVar variation 1476310 (VCV001476310.6), dbSNP rs2150787894, ClinGen allele CA350857131.

ClinVar aggregate classification (germline): Uncertain significance (1 of 4 stars; one submission).

gnomAD v4.1: 2 of 1,613,488 alleles (0.00012%); highest among the groups gnomAD compares: Non-Finnish European, 0.00017%; no homozygotes.

Submission:

Labcorp Genetics (formerly Invitae), Labcorp
Classification: Uncertain significance. Last evaluated: 2021-08-11. Review status: criteria provided, single submitter. Criteria: Invitae Variant Classification Sherloc (09022015). Collection method: clinical testing. Allele origin: germline.
Comment: In summary, the available evidence is currently insufficient to determine the role of this variant in disease. Therefore, it has been classified as a Variant of Uncertain Significance. Advanced modeling of protein sequence and biophysical properties (such as structural, functional, and spatial information, amino acid conservation, physicochemical variation, residue mobility, and thermodynamic stability) performed at Invitae indicates that this missense variant is expected to disrupt COL4A4 protein function. This variant has not been reported in the literature in individuals affected with COL4A4-related conditions. This variant is not present in population databases (ExAC no frequency). This sequence change replaces glycine with cysteine at codon 302 of the COL4A4 protein (p.Gly302Cys). The glycine residue is highly conserved and there is a large physicochemical difference between glycine and cysteine.